The following is an entry in ClinVar:

ClinVar aggregate classification (germline): Conflicting classifications of pathogenicity. Review status: criteria provided, conflicting classifications (1 of 4 stars). 3 submissions from 3 submitters: Uncertain significance (1); Likely benign (2). Last evaluated 2026-09-15.

Conditions:
COLGALT1-related disorder. Also called: COLGALT1-related condition.

Allele frequency attached by ClinVar (database versions not stated): ExAC 0.00028; ESP Exome Variant Server 0.00069; gnomAD 0.00082; TOPMed 0.00098; 1000 Genomes Project 30x 0.00141; 1000 Genomes Project 0.00160.
gnomAD v4.1: 275 of 1,613,870 alleles (0.017%); highest among the groups gnomAD compares: African/African-American, 0.29%; no homozygotes.

Submissions (3):

PreventionGenetics, part of Exact Sciences
Classification: Likely benign for COLGALT1-related condition. Last evaluated: 2026-09-15. Review status: criteria provided, single submitter. Criteria: ACMG Guidelines, 2015. Collection method: clinical testing. Allele origin: germline.
Comment: This variant is classified as likely benign based on ACMG/AMP sequence variant interpretation guidelines (Richards et al. 2015 PMID: 25741868, with internal and published modifications).

Labcorp Genetics (formerly Invitae), Labcorp
Classification: Likely benign. Last evaluated: 2025-11-03. Review status: criteria provided, single submitter. Criteria: Invitae Variant Classification Sherloc (09022015). Collection method: clinical testing. Allele origin: germline.

CeGaT Center for Human Genetics Tuebingen
Classification: Uncertain significance. Last evaluated: 2024-04-01. Review status: criteria provided, single submitter. Criteria: CeGaT Center For Human Genetics Tuebingen Variant Classification Criteria Version 2. Collection method: clinical testing. Allele origin: germline. Affected: yes. Observed: 1 variant allele.

NM_024656.4(COLGALT1):c.380C>T (p.Pro127Leu)

Gene: COLGALT1 (collagen beta(1-O)galactosyltransferase 1; plus strand). Cytogenetic location: 19p13.11.
Variant type: single nucleotide variant.
Coding change: c.380C>T on transcript NM_024656.4 (MANE Select); coding-DNA position 380, C replaced by T.
Protein change: p.Pro127Leu; replaces proline 127 with leucine.
Molecular consequence: missense variant.
Genome position (GRCh38, 1-based): chr19:17,560,356, C>T. VCF-style: chr19-17560356-C-T. GRCh37 (hg19) VCF-style: chr19-17671165-C-T.
Other names: c.380C>T (NM_024656.3); short protein forms P127L.
Identifiers: ClinVar variation 2084652 (VCV002084652.25), dbSNP rs139134591, ClinGen allele CA9296883.